The following is an entry in ClinVar:

ClinVar aggregate classification (germline): Benign (1 of 4 stars; one submission).

Conditions:
Pseudohypoaldosteronism type 2D (PHA2D). Also called: FAMILIAL HYPERKALEMIC HYPERTENSION; PSEUDOHYPOALDOSTERONISM, TYPE IID, AUTOSOMAL DOMINANT OR RECESSIVE; Pseudohypoaldosteronism Type IID. Identifiers: Orphanet 300525, Orphanet 757, MedGen C3469605, MONDO:0013781, OMIM 614495.

Allele frequency attached by ClinVar (database versions not stated): gnomAD 0.00196 and 0.00149; TOPMed 0.00231; 1000 Genomes Project 0.00080; 1000 Genomes Project 30x 0.00141.

Submission:

Illumina Laboratory Services, Illumina
Classification: Benign for Pseudohypoaldosteronism type 2D. Last evaluated: 2018-01-13. Review status: criteria provided, single submitter. Criteria: ICSL Variant Classification Criteria 13 December 2019. Collection method: clinical testing. Allele origin: germline.
Comment: This variant was observed in the ICSL laboratory as part of a predisposition screen in an ostensibly healthy population. It had not been previously curated by ICSL or reported in the Human Gene Mutation Database (HGMD: prior to June 1st, 2018), and was therefore a candidate for classification through an automated scoring system. Utilizing variant allele frequency, disease prevalence and penetrance estimates, and inheritance mode, an automated score was calculated to assess if this variant is too frequent to cause the disease. Based on the score and internal cut-off values, a variant classified as benign is not then subjected to further curation. The score for this variant resulted in a classification of benign for this disease.

NM_017415.3(KLHL3):c.*4065C>T

Gene: KLHL3 (kelch like family member 3; minus strand). Cytogenetic location: 5q31.2.
Variant type: single nucleotide variant.
Coding change: c.*4065C>T on transcript NM_017415.3 (MANE Select); 4065 bases downstream of the stop codon, C replaced by T.
Molecular consequence: 3 prime UTR variant.
Genome position (GRCh38, 1-based): chr5:137,618,033, G>A on the plus strand (C>T on the coding strand, the complement: KLHL3 is on the minus strand). VCF-style: chr5-137618033-G-A. GRCh37 (hg19) VCF-style: chr5-136953722-G-A.
Other names: c.*4065C>T (NM_001257194.1, NM_001257195.2).
Identifiers: ClinVar variation 350925 (VCV000350925.6), dbSNP rs142781557, ClinGen allele CA10622733.